The following is an entry in ClinVar:

ClinVar aggregate classification (germline): Uncertain significance (1 of 4 stars; one submission).

Allele frequency attached by ClinVar (database versions not stated): gnomAD exomes below 0.00001.
gnomAD v4.1: 1 of 1,610,560 alleles (0.000062%); highest among the groups gnomAD compares: Non-Finnish European, 0.000085%; no homozygotes.

Submission:

Labcorp Genetics (formerly Invitae), Labcorp
Classification: Uncertain significance. Last evaluated: 2021-09-01. Review status: criteria provided, single submitter. Criteria: Invitae Variant Classification Sherloc (09022015). Collection method: clinical testing. Allele origin: germline.
Comment: This sequence change replaces glutamic acid with lysine at codon 3834 of the ADGRV1 protein (p.Glu3834Lys). The glutamic acid residue is moderately conserved and there is a small physicochemical difference between glutamic acid and lysine. This variant is not present in population databases (ExAC no frequency). This variant has not been reported in the literature in individuals affected with ADGRV1-related conditions. Algorithms developed to predict the effect of missense changes on protein structure and function are either unavailable or do not agree on the potential impact of this missense change (SIFT: "Tolerated"; PolyPhen-2: "Possibly Damaging"; Align-GVGD: "Class C0"). In summary, the available evidence is currently insufficient to determine the role of this variant in disease. Therefore, it has been classified as a Variant of Uncertain Significance.

NM_032119.4(ADGRV1):c.11500G>A (p.Glu3834Lys)

Gene: ADGRV1 (adhesion G protein-coupled receptor V1; plus strand). Cytogenetic location: 5q14.3.
Variant type: single nucleotide variant.
Coding change: c.11500G>A on transcript NM_032119.4 (MANE Select); coding-DNA position 11500, G replaced by A.
Protein change: p.Glu3834Lys; replaces glutamic acid 3834 with lysine.
Molecular consequence: missense variant. On other transcripts: non-coding transcript variant (1).
Genome position (GRCh38, 1-based): chr5:90,755,105, G>A. VCF-style: chr5-90755105-G-A. GRCh37 (hg19) VCF-style: chr5-90050922-G-A.
Other names: short protein forms E3834K.
Identifiers: ClinVar variation 1022033 (VCV001022033.6), dbSNP rs1190857361, ClinGen allele CA360366932.
Genomic context (GRCh38, chr5:90,755,105, plus strand): 5'-ATTCACTTGAGAGCTCAACCCAATTTCTTACTGCATGTCGATAATCAAGCTACTGAGAAT[G>A]AAGATTATGTATTGCAAGAAACAATAATAATAATGAAAGAAAACATAAAAGAAGCTCATG-3'
Protein context (NP_115495.3, residues 3824-3844): LHVDNQATEN[Glu3834Lys]DYVLQETIII